The following is an entry in ClinVar:

ClinVar aggregate classification (germline): Pathogenic. Review status: criteria provided, single submitter (1 of 4 stars). 2 submissions from 2 submitters: Pathogenic (1). 1 of the submissions does not count toward it. Last evaluated 2022-11-10.

Conditions:
Neurodevelopmental disorder with hypotonia, dysmorphic facies, and skin abnormalities (NEDHFS). Identifiers: MedGen C5774285, MONDO:0859347, OMIM 620191.

Submissions (2):

Labcorp Genetics (formerly Invitae), Labcorp
Classification: Pathogenic. Last evaluated: 2022-11-10. Review status: criteria provided, single submitter. Criteria: Invitae Variant Classification Sherloc (09022015). Collection method: clinical testing. Allele origin: germline.
Comment: For these reasons, this variant has been classified as Pathogenic. ClinVar contains an entry for this variant (Variation ID: 1060644). This premature translational stop signal has been observed in individual(s) with PGM2L1-related conditions (PMID: 33979636). This variant is not present in population databases (gnomAD no frequency). This sequence change creates a premature translational stop signal (p.Tyr18Thrfs*36) in the PGM2L1 gene. It is expected to result in an absent or disrupted protein product. Loss-of-function variants in PGM2L1 are known to be pathogenic (PMID: 33979636).

OMIM
Classification: Pathogenic for NEURODEVELOPMENTAL DISORDER WITH HYPOTONIA, DYSMORPHIC FACIES, AND SKIN ABNORMALITIES. Last evaluated: 2023-01-11. Review status: no assertion criteria provided. Collection method: literature only. Allele origin: germline. Not counted in ClinVar's aggregate classification.

Literature cited by the submitters: PubMed 33979636 (cited by Labcorp Genetics (formerly Invitae), Labcorp and OMIM).

NM_173582.6(PGM2L1):c.51del (p.Tyr18fs)

Gene: PGM2L1 (phosphoglucomutase 2 like 1; minus strand). Cytogenetic location: 11q13.4.
Variant type: Deletion.
Coding change: c.51del on transcript NM_173582.6 (MANE Select); coding-DNA position 51, one base deleted (C; older notation c.51delC).
Protein change: p.Tyr18fs; shifts the reading frame from tyrosine 18.
Molecular consequence: frameshift variant.
Genome position (GRCh38, 1-based): chr11:74,398,111, G deleted on the plus strand (C on the coding strand, the reverse complement: PGM2L1 is on the minus strand); the first of 5 consecutive G bases (chr11:74,398,111-74,398,115); deleting any one gives the same sequence. VCF-style (leftmost placement, unchanged base first): chr11-74398110-AG-A. GRCh37 (hg19) VCF-style: chr11-74109155-AG-A.
Other names: short protein forms Y18fs.
Identifiers: ClinVar variation 1060644 (VCV001060644.7), dbSNP rs2134963520, ClinGen allele CA2499221300.